The following is an entry in ClinVar:

ClinVar aggregate classification (germline): Benign/Likely benign. Review status: criteria provided, multiple submitters, no conflicts (2 of 4 stars). 3 submissions from 3 submitters: Benign (1); Likely benign (2). Last evaluated 2024-06-26.

Conditions:
Oligodontia-cancer predisposition syndrome. Also called: TOOTH AGENESIS-COLORECTAL CANCER SYNDROME. Identifiers: Orphanet 300576, MedGen C1837750, MONDO:0012075, OMIM 608615. Disease mechanism: loss of function.
Hereditary cancer-predisposing syndrome. Also called: Neoplastic Syndromes, Hereditary; Tumor predisposition; Hereditary neoplastic syndrome; Hereditary Cancer Syndrome. Identifiers: Orphanet 140162, MedGen C0027672, MeSH D009386, MONDO:0015356.

Submissions (3):

Myriad Genetics, Inc.
Classification: Benign for Oligodontia-cancer predisposition syndrome. Last evaluated: 2024-06-26. Review status: criteria provided, single submitter. Criteria: Myriad Autosomal Dominant, Autosomal Recessive and X-Linked Classification Criteria (2023). Collection method: clinical testing. Allele origin: unknown.
Comment: This variant is considered benign. This variant is a silent/synonymous amino acid change and it is not expected to impact splicing.

Labcorp Genetics (formerly Invitae), Labcorp
Classification: Likely benign for Oligodontia-cancer predisposition syndrome. Last evaluated: 2023-09-03. Review status: criteria provided, single submitter. Criteria: Invitae Variant Classification Sherloc (09022015). Collection method: clinical testing. Allele origin: germline.

Ambry Genetics
Classification: Likely benign for Hereditary cancer-predisposing syndrome. Last evaluated: 2023-01-19. Review status: criteria provided, single submitter. Criteria: Ambry Variant Classification Scheme 2023. Collection method: clinical testing. Allele origin: germline.

NM_004655.4(AXIN2):c.291T>C (p.Thr97=)

Gene: AXIN2 (axin 2; minus strand). Cytogenetic location: 17q24.1.
Variant type: single nucleotide variant.
Coding change: c.291T>C on transcript NM_004655.4 (MANE Select); coding-DNA position 291, T replaced by C.
Protein change: p.Thr97=; no amino-acid change (threonine 97 retained).
Molecular consequence: synonymous variant.
Genome position (GRCh38, 1-based): chr17:65,558,330, A>G on the plus strand (T>C on the coding strand, the complement: AXIN2 is on the minus strand). VCF-style: chr17-65558330-A-G. GRCh37 (hg19) VCF-style: chr17-63554448-A-G.
Other names: c.291T>C, p.Thr97= (NM_001363813.1).
Identifiers: ClinVar variation 2451663 (VCV002451663.6), dbSNP rs2544252727, ClinGen allele CA501691943.